The following is an entry in ClinVar:

ClinVar aggregate classification (germline): Conflicting classifications of pathogenicity. Review status: criteria provided, conflicting classifications (1 of 4 stars). 3 submissions from 3 submitters: Uncertain significance (2); Likely benign (1). Last evaluated 2024-09-24.

Conditions:
Hereditary nonpolyposis colorectal neoplasms. Identifiers: MedGen C0009405, MeSH D003123.
Hereditary cancer-predisposing syndrome. Also called: Neoplastic Syndromes, Hereditary; Tumor predisposition; Hereditary Cancer Syndrome; Hereditary neoplastic syndrome. Identifiers: Orphanet 140162, MedGen C0027672, MeSH D009386, MONDO:0015356.

Submissions (3):

Ambry Genetics
Classification: Likely benign for Hereditary cancer-predisposing syndrome. Last evaluated: 2024-09-24. Review status: criteria provided, single submitter. Criteria: Ambry Variant Classification Scheme 2023. Collection method: clinical testing. Allele origin: germline.

Labcorp Genetics (formerly Invitae), Labcorp
Classification: Uncertain significance for Hereditary nonpolyposis colorectal neoplasms. Last evaluated: 2024-06-11. Review status: criteria provided, single submitter. Criteria: Invitae Variant Classification Sherloc (09022015). Collection method: clinical testing. Allele origin: germline.
Comment: This sequence change replaces alanine, which is neutral and non-polar, with glycine, which is neutral and non-polar, at codon 25 of the MSH6 protein (p.Ala25Gly). This variant is not present in population databases (gnomAD no frequency). This variant has not been reported in the literature in individuals affected with MSH6-related conditions. ClinVar contains an entry for this variant (Variation ID: 925753). Advanced modeling of protein sequence and biophysical properties (such as structural, functional, and spatial information, amino acid conservation, physicochemical variation, residue mobility, and thermodynamic stability) performed at Invitae indicates that this missense variant is not expected to disrupt MSH6 protein function with a negative predictive value of 95%. In summary, the available evidence is currently insufficient to determine the role of this variant in disease. Therefore, it has been classified as a Variant of Uncertain Significance.

Color Diagnostics, LLC DBA Color Health
Classification: Uncertain significance for Hereditary cancer-predisposing syndrome. Last evaluated: 2024-02-26. Review status: criteria provided, single submitter. Criteria: ACMG Guidelines, 2015. Collection method: clinical testing. Allele origin: germline.
Comment: This missense variant replaces alanine with glycine at codon 25 of the MSH6 protein. Computational prediction suggests that this variant may not impact protein structure and function (internally defined REVEL score threshold <= 0.5, PMID: 27666373). To our knowledge, functional studies have not been reported for this variant. This variant has not been reported in individuals affected with MSH6-related disorders in the literature. This variant has not been identified in the general population by the Genome Aggregation Database (gnomAD). The available evidence is insufficient to determine the role of this variant in disease conclusively. Therefore, this variant is classified as a Variant of Uncertain Significance.

NM_000179.3(MSH6):c.74C>G (p.Ala25Gly)

Gene: MSH6 (mutS homolog 6; plus strand). Cytogenetic location: 2p16.3.
Variant type: single nucleotide variant.
Coding change: c.74C>G on transcript NM_000179.3 (MANE Select); coding-DNA position 74, C replaced by G.
Protein change: p.Ala25Gly; replaces alanine 25 with glycine.
Molecular consequence: missense variant. On other transcripts: 5 prime UTR variant (1).
Genome position (GRCh38, 1-based): chr2:47,783,307, C>G. VCF-style: chr2-47783307-C-G. GRCh37 (hg19) VCF-style: chr2-48010446-C-G.
Other names: c.74C>G, p.Ala25Gly (NM_001281492.2); c.-663C>G (NM_001281493.2); short protein forms A25G.
Identifiers: ClinVar variation 925753 (VCV000925753.13), dbSNP rs35462442, ClinGen allele CA346734790.